The following is an entry in ClinVar:

NM_000404.4(GLB1):c.1660G>A (p.Gly554Arg)

Gene: GLB1 (galactosidase beta 1; minus strand). Cytogenetic location: 3p22.3.
Variant type: single nucleotide variant.
Coding change: c.1660G>A on transcript NM_000404.4 (MANE Select); coding-DNA position 1660, G replaced by A.
Protein change: p.Gly554Arg; replaces glycine 554 with arginine.
Molecular consequence: missense variant.
Genome position (GRCh38, 1-based): chr3:33,014,130, C>T on the plus strand (G>A on the coding strand, the complement: GLB1 is on the minus strand). VCF-style: chr3-33014130-C-T. GRCh37 (hg19) VCF-style: chr3-33055622-C-T.
Other names: c.1570G>A, p.Gly524Arg (NM_001079811.3); c.1267G>A, p.Gly423Arg (NM_001135602.3); c.1804G>A, p.Gly602Arg (NM_001317040.2); c.1660G>A, p.Gly554Arg (NM_001393580.1); short protein forms G524R, G554R, G423R, G602R.
Identifiers: ClinVar variation 2940375 (VCV002940375.3), dbSNP rs2471248154, ClinGen allele CA351984319.
Genomic context (GRCh38, chr3:33,014,130, plus strand): 5'-GAAACTGGATAAAGGTGTCCTGGGGCAAGTCTGGGATCCCACTGGGAATGGAGAAGTTCC[C>T]CATATAAAAGGCCGGGAGCGTGTAGTTGGATGAGTTGTGGGCCCAGGCTTCATCATGGTG-3'
Protein context (NP_000395.3, residues 544-564): SNYTLPAFYM[Gly554Arg]NFSIPSGIPD

ClinVar aggregate classification (germline): Likely pathogenic (1 of 4 stars; one submission).

Conditions:
Mucopolysaccharidosis, MPS-IV-B (MPS4B). Also called: Mucopolysaccharidosis type 4B; Mucopolysaccharidosis type IVB (Morquio); MPS IVB; MORQUIO SYNDROME B; Mucopolysaccharidosis type IV B; Mucopolysaccharidosis Type IVB. Identifiers: Orphanet 309310, Orphanet 582, MedGen C0086652, MONDO:0009660, OMIM 253010.
GM1 gangliosidosis. Identifiers: Orphanet 354, MedGen C0085131, MONDO:0018149.

Submission:

Labcorp Genetics (formerly Invitae), Labcorp
Classification: Likely pathogenic for Mucopolysaccharidosis, MPS-IV-B; GM1 gangliosidosis. Last evaluated: 2023-11-28. Review status: criteria provided, single submitter. Criteria: Invitae Variant Classification Sherloc (09022015). Collection method: clinical testing. Allele origin: germline.
Comment: This sequence change replaces glycine, which is neutral and non-polar, with arginine, which is basic and polar, at codon 554 of the GLB1 protein (p.Gly554Arg). This variant is not present in population databases (gnomAD no frequency). This variant has not been reported in the literature in individuals affected with GLB1-related conditions. Advanced modeling of protein sequence and biophysical properties (such as structural, functional, and spatial information, amino acid conservation, physicochemical variation, residue mobility, and thermodynamic stability) performed at Invitae indicates that this missense variant is expected to disrupt GLB1 protein function with a positive predictive value of 95%. This variant disrupts the p.Gly554 amino acid residue in GLB1. Other variant(s) that disrupt this residue have been determined to be pathogenic (PMID: 17309651). This suggests that this residue is clinically significant, and that variants that disrupt this residue are likely to be disease-causing. In summary, the currently available evidence indicates that the variant is pathogenic, but additional data are needed to prove that conclusively. Therefore, this variant has been classified as Likely Pathogenic.

Literature cited by the submitters: PubMed 17309651.